The following is an entry in ClinVar:

NM_001368397.1(FRMPD4):c.2620G>A (p.Gly874Arg)

Gene: FRMPD4 (FERM and PDZ domain containing 4; plus strand). Cytogenetic location: Xp22.2.
Variant type: single nucleotide variant.
Coding change: c.2620G>A on transcript NM_001368397.1 (MANE Select); coding-DNA position 2620, G replaced by A.
Protein change: p.Gly874Arg; replaces glycine 874 with arginine.
Molecular consequence: missense variant.
Genome position (GRCh38, 1-based): chrX:12,717,079, G>A. VCF-style: chrX-12717079-G-A. GRCh37 (hg19) VCF-style: chrX-12735198-G-A.
Other names: c.2731G>A, p.Gly911Arg (NM_001368395.3, NM_001368398.3); c.2626G>A, p.Gly876Arg (NM_001368396.3); c.2611G>A, p.Gly871Arg (NM_001368399.3); c.2500G>A, p.Gly834Arg (NM_001368400.3); c.2596G>A, p.Gly866Arg (NM_001368401.1, NM_001368402.3); c.2620G>A, p.Gly874Arg (NM_014728.3); short protein forms G834R, G866R, G871R, G874R, G876R, G911R.
Identifiers: ClinVar variation 2430979 (VCV002430979.2), dbSNP rs764279201, ClinGen allele CA412313612.

ClinVar aggregate classification (germline): Uncertain significance (1 of 4 stars; one submission).

Allele frequency attached by ClinVar (database versions not stated): gnomAD 0.00002; TOPMed 0.00001.
gnomAD v4.1: 3 of 1,204,022 alleles (0.00025%); highest among the groups gnomAD compares: African/African-American, 0.0052%; no homozygotes.

Submission:

GeneDx
Classification: Uncertain significance. Last evaluated: 2023-05-25. Review status: criteria provided, single submitter. Criteria: GeneDx Variant Classification Process June 2021. Collection method: clinical testing. Allele origin: germline.
Comment: Not observed at significant frequency in large population cohorts (gnomAD); In silico analysis supports that this missense variant does not alter protein structure/function; Has not been previously published as pathogenic or benign to our knowledge